The following is an entry in ClinVar:

ClinVar aggregate classification (germline): Likely pathogenic (1 of 4 stars; one submission).

Conditions:
Metaphyseal chondrodysplasia, McKusick type (CHH). Also called: Cartilage-hair hypoplasia; Cartilage-Hair Hypoplasia (CHH). Identifiers: Orphanet 175, MedGen C0220748, MONDO:0009595, OMIM 250250.

Submission:

Natera, Inc.
Classification: Likely pathogenic for Cartilage-hair hypoplasia. Last evaluated: 2024-08-08. Review status: criteria provided, single submitter. Criteria: Natera Variant Classification Schema (03/2026). Collection method: clinical testing. Allele origin: germline.
Comment: The n.-5delinsAACCACTACTCTGTGAAGCTGAGA variant in RMRP is a delins affecting the RMRP promoter region between the TATA box and the transcription initiation site. Other duplications and insertions just upstream of the transcription initiation site have been reported in individuals affected with cartilage-hair hypoplasia (PMID: 11207361, 17937437). This variant is rare in the general population with a frequency below the threshold expected for the associated phenotype(s). Given the available evidence, this variant is classified as Likely pathogenic.

Literature cited by the submitters: PubMed 11207361; PubMed 17937437.

NR_003051.3(RMRP):n.-5delinsAACCACTACTCTGTGAAGCTGAGA

Gene: RMRP (RNA component of mitochondrial RNA processing endoribonuclease; minus strand). Cytogenetic location: 9p13.3.
Variant type: Indel.
Genome position: GRCh38 VCF-style: chr9-35658023-C-TCTCAGCTTCACAGAGTAGTGGTT. GRCh37 (hg19) VCF-style: chr9-35658020-C-TCTCAGCTTCACAGAGTAGTGGTT.
Identifiers: ClinVar variation 4817195 (VCV004817195.1).